The following is an entry in ClinVar:

ClinVar aggregate classification (germline): Uncertain significance (1 of 4 stars; one submission).

Conditions:
ATP8B1-related disorder. Also called: ATP8B1-related disorders; ATP8B1-related condition.

gnomAD v4.1: 1 of 1,561,088 alleles (0.000064%); highest among the groups gnomAD compares: Admixed American, 0.0017%; no homozygotes.

Submission:

PreventionGenetics, part of Exact Sciences
Classification: Uncertain significance for ATP8B1-related condition. Last evaluated: 2025-08-04. Review status: criteria provided, single submitter. Criteria: ACMG Guidelines, 2015. Collection method: clinical testing. Allele origin: germline.
Comment: The ATP8B1 c.1021G>T variant is predicted to result in the amino acid substitution p.Val341Phe. To our knowledge, this variant has not been reported in the literature or in a large population database (gnomAD), indicating this variant is rare. At this time, the clinical significance of this variant is uncertain due to the absence of conclusive functional and genetic evidence.

NM_001374385.1(ATP8B1):c.1021G>T (p.Val341Phe)

Genes: ATP8B1 (ATPase phospholipid transporting 8B1; minus strand), LOC126862761 (CDK7 strongly-dependent group 2 enhancer GRCh37_chr18:55360919-55362118; plus strand). Cytogenetic location: 18q21.31.
Variant type: single nucleotide variant.
Coding change: c.1021G>T on transcript NM_001374385.1 (MANE Select); coding-DNA position 1021, G replaced by T.
Protein change: p.Val341Phe; replaces valine 341 with phenylalanine.
Molecular consequence: missense variant.
Genome position (GRCh38, 1-based): chr18:57,694,590, C>A on the plus strand (G>T on the coding strand, the complement: ATP8B1 is on the minus strand). VCF-style: chr18-57694590-C-A. GRCh37 (hg19) VCF-style: chr18-55361822-C-A.
Other names: c.871G>T, p.Val291Phe (NM_001374386.1); c.1021G>T, p.Val341Phe (NM_005603.6); short protein forms V291F, V341F.
Identifiers: ClinVar variation 5002352 (VCV005002352.1).
Genomic context (GRCh38, chr18:57,694,590, plus strand): 5'-TGCAAAAGACAGCAATCTAGATGAGAGATCTACTGAGATGAAAAATAAATACCGTGTAAA[C>A]CATGTAGTTCATCAAGTAATCAATTTTAGTTCTTTTAAATCTGGTTTTCCCACTATTCTT-3'
Protein context (NP_001361314.1, residues 331-351): TKIDYLMNYM[Val341Phe]YTIFVVLILL